The following is an entry in ClinVar:

ClinVar aggregate classification (germline): Likely benign (1 of 4 stars; one submission).

Allele frequency attached by ClinVar (database versions not stated): gnomAD exomes 0.00001; TOPMed below 0.00001.
gnomAD v4.1: 21 of 1,614,220 alleles (0.0013%); highest among the groups gnomAD compares: Non-Finnish European, 0.0018%; no homozygotes.

Submission:

GeneDx
Classification: Likely benign. Last evaluated: 2017-05-15. Review status: criteria provided, single submitter. Criteria: GeneDx Variant Classification (06012015). Collection method: clinical testing. Allele origin: germline. Affected: yes.
Comment: This variant is considered likely benign or benign based on one or more of the following criteria: it is a conservative change, it occurs at a poorly conserved position in the protein, it is predicted to be benign by multiple in silico algorithms, and/or has population frequency not consistent with disease.

NM_001101.5(ACTB):c.774T>C (p.Pro258=)

Gene: ACTB (actin beta; minus strand). Cytogenetic location: 7p22.1.
Variant type: single nucleotide variant.
Coding change: c.774T>C on transcript NM_001101.5 (MANE Select); coding-DNA position 774, T replaced by C.
Protein change: p.Pro258=; no amino-acid change (proline 258 retained).
Molecular consequence: synonymous variant.
Genome position (GRCh38, 1-based): chr7:5,528,309, A>G on the plus strand (T>C on the coding strand, the complement: ACTB is on the minus strand). VCF-style: chr7-5528309-A-G. GRCh37 (hg19) VCF-style: chr7-5567940-A-G.
Other names: c.774T>C (LRG_132t1).
Identifiers: ClinVar variation 516168 (VCV000516168.1), dbSNP rs1253714549, ClinGen allele CA453638936.
Genomic context (GRCh38, chr7:5,528,309, plus strand): 5'-TCAGGCAGAGCCGGGAGACAGTCTCCACTCACCCAGGAAGGAAGGCTGGAAGAGTGCCTC[A>G]GGGCAGCGGAACCGCTCATTGCCAATGGTGATGACCTGGCCGTCAGGCAGCTCGTAGCTC-3'
Protein context (NP_001092.1, residues 248-268): ITIGNERFRC[Pro258=]EALFQPSFLG